The following is an entry in ClinVar:

NM_000135.4(FANCA):c.829G>A (p.Ala277Thr)

Gene: FANCA (FA complementation group A; minus strand). Cytogenetic location: 16q24.3.
Variant type: single nucleotide variant.
Coding change: c.829G>A on transcript NM_000135.4 (MANE Select); coding-DNA position 829, G replaced by A.
Protein change: p.Ala277Thr; replaces alanine 277 with threonine.
Molecular consequence: missense variant.
Genome position (GRCh38, 1-based): chr16:89,799,230, C>T on the plus strand (G>A on the coding strand, the complement: FANCA is on the minus strand). VCF-style: chr16-89799230-C-T. GRCh37 (hg19) VCF-style: chr16-89865638-C-T.
Other names: c.829G>A, p.Ala277Thr (NM_001018112.3, NM_001286167.3); c.733G>A, p.Ala245Thr (NM_001351830.2); short protein forms A245T, A277T.
Identifiers: ClinVar variation 4870929 (VCV004870929.1).

ClinVar aggregate classification (germline): Uncertain significance (1 of 4 stars; one submission).

Conditions:
Inborn genetic diseases. Identifiers: MedGen C0950123, MeSH D030342.

Submission:

Ambry Genetics
Classification: Uncertain significance for Inborn genetic diseases. Last evaluated: 2026-06-14. Review status: criteria provided, single submitter. Criteria: Ambry Variant Classification Scheme 2023. Collection method: clinical testing. Allele origin: germline.
Comment: The p.A277T variant (also known as c.829G>A), located in coding exon 10 of the FANCA gene, results from a G to A substitution at nucleotide position 829. The alanine at codon 277 is replaced by threonine, an amino acid with similar properties. This amino acid position is conserved. In addition, this alteration is predicted to be tolerated by in silico analysis. Based on the available evidence, the clinical significance of this variant remains unclear.